The following is an entry in ClinVar:

NM_000026.4(ADSL):c.1114C>A (p.Arg372Ser)

Gene: ADSL (adenylosuccinate lyase; plus strand). Cytogenetic location: 22q13.1.
Variant type: single nucleotide variant.
Coding change: c.1114C>A on transcript NM_000026.4 (MANE Select); coding-DNA position 1114, C replaced by A.
Protein change: p.Arg372Ser; replaces arginine 372 with serine.
Molecular consequence: missense variant. On other transcripts: non-coding transcript variant (1).
Genome position (GRCh38, 1-based): chr22:40,364,288, C>A. VCF-style: chr22-40364288-C-A. GRCh37 (hg19) VCF-style: chr22-40760292-C-A.
Other names: c.1114C>A, p.Arg372Ser (NM_001123378.3, NM_001363840.3); c.922C>A, p.Arg308Ser (NM_001317923.2); short protein forms R372S, R308S.
Identifiers: ClinVar variation 574285 (VCV000574285.8), dbSNP rs778401578, ClinGen allele CA10247927.

ClinVar aggregate classification (germline): Uncertain significance (1 of 4 stars; one submission).

Conditions:
Adenylosuccinate lyase deficiency (ADSLD). Also called: ADSL DEFICIENCY. Identifiers: Orphanet 46, MedGen C0268126, MONDO:0007068, OMIM 103050.

Allele frequency attached by ClinVar (database versions not stated): gnomAD 0.00001; TOPMed 0.00001.
gnomAD v4.1: 8 of 1,613,776 alleles (0.0005%); highest among the groups gnomAD compares: Admixed American, 0.0083%; no homozygotes.

Submission:

Labcorp Genetics (formerly Invitae), Labcorp
Classification: Uncertain significance for Adenylosuccinate lyase deficiency. Last evaluated: 2023-11-27. Review status: criteria provided, single submitter. Criteria: Invitae Variant Classification Sherloc (09022015). Collection method: clinical testing. Allele origin: germline.
Comment: This sequence change replaces arginine, which is basic and polar, with serine, which is neutral and polar, at codon 372 of the ADSL protein (p.Arg372Ser). This variant is present in population databases (rs778401578, gnomAD 0.01%). This variant has not been reported in the literature in individuals affected with ADSL-related conditions. ClinVar contains an entry for this variant (Variation ID: 574285). Advanced modeling of protein sequence and biophysical properties (such as structural, functional, and spatial information, amino acid conservation, physicochemical variation, residue mobility, and thermodynamic stability) performed at Invitae indicates that this missense variant is not expected to disrupt ADSL protein function with a negative predictive value of 80%. In summary, the available evidence is currently insufficient to determine the role of this variant in disease. Therefore, it has been classified as a Variant of Uncertain Significance.